The following is an entry in ClinVar:

ClinVar aggregate classification (germline): Uncertain significance (1 of 4 stars; one submission).

Submission:

Labcorp Genetics (formerly Invitae), Labcorp
Classification: Uncertain significance. Last evaluated: 2022-05-14. Review status: criteria provided, single submitter. Criteria: Invitae Variant Classification Sherloc (09022015). Collection method: clinical testing. Allele origin: germline.
Comment: This variant is present in population databases (no rsID available, gnomAD 0.1%). In summary, the available evidence is currently insufficient to determine the role of this variant in disease. Therefore, it has been classified as a Variant of Uncertain Significance. Experimental studies and prediction algorithms are not available or were not evaluated, and the functional significance of this variant is currently unknown. This variant has not been reported in the literature in individuals affected with DVL1-related conditions. This sequence change replaces glycine, which is neutral and non-polar, with glutamic acid, which is acidic and polar, at codon 512 of the DVL1 protein (p.Gly512Glu).

NM_001330311.2(DVL1):c.1610_1611delinsAA (p.Gly537Glu)

Gene: DVL1 (dishevelled segment polarity protein 1; minus strand). Cytogenetic location: 1p36.33.
Variant type: Indel.
Coding change: c.1610_1611delinsAA on transcript NM_001330311.2 (MANE Select); coding-DNA positions 1610 to 1611, GC replaced by AA.
Protein change: p.Gly537Glu; replaces glycine 537 with glutamic acid.
Molecular consequence: missense variant.
Genome position (GRCh38, 1-based): chr1:1,338,080-1,338,081, GC replaced by TT on the plus strand (GC replaced by AA on the coding strand, the reverse complement: DVL1 is on the minus strand). VCF-style: chr1-1338080-GC-TT. GRCh37 (hg19) VCF-style: chr1-1273460-GC-TT.
Other names: c.1535_1536delinsAA, p.Gly512Glu (NM_004421.3); short protein forms G512E, G537E.
Identifiers: ClinVar variation 1994346 (VCV001994346.4), dbSNP rs2523148353, ClinGen allele CA2580060510.
Genomic context (GRCh38, chr1:1,338,080, plus strand): 5'-GCCCGGGTCCTGGTAGGCAGGCGGGAAGCAGGGTGGGGGTCCCGGGTACTGGTAGGGGTA[GC>TT]CCTGACCCAGAGGCCAGGGGGCAGCCGGGTGGGGCAGCGGGGCCAGCGTGTCCTGATCCG-3'
Protein context (NP_001317240.1, residues 527-547): HPAAPWPLGQ[Gly537Glu]YPYQYPGPPP